The following is an entry in ClinVar:

ClinVar aggregate classification (germline): Uncertain significance. Review status: criteria provided, multiple submitters, no conflicts (2 of 4 stars). 2 submissions from 2 submitters: Uncertain significance (2). Last evaluated 2026-09-14.

Conditions:
Cardiovascular phenotype. Identifiers: MedGen CN230736.

Allele frequency attached by ClinVar (database versions not stated): gnomAD exomes below 0.00001.
gnomAD v4.1: 1 of 1,614,180 alleles (0.000062%); highest among the groups gnomAD compares: Non-Finnish European, 0.000085%; no homozygotes.

Submissions (2):

Ambry Genetics
Classification: Uncertain significance for Cardiovascular phenotype. Last evaluated: 2026-09-14. Review status: criteria provided, single submitter. Criteria: Ambry Variant Classification Scheme 2023. Collection method: clinical testing. Allele origin: germline.
Comment: The p.E317G variant (also known as c.950A>G), located in coding exon 8 of the RAF1 gene, results from an A to G substitution at nucleotide position 950. The glutamic acid at codon 317 is replaced by glycine, an amino acid with similar properties. This amino acid position is conserved. In addition, this alteration is predicted to be deleterious by in silico analysis. Based on the available evidence, the clinical significance of this variant remains unclear.

Revvity Omics, Revvity
Classification: Uncertain significance. Last evaluated: 2019-09-05. Review status: criteria provided, single submitter. Criteria: ACMG Guidelines, 2015. Collection method: clinical testing. Allele origin: germline.

NM_002880.4(RAF1):c.950A>G (p.Glu317Gly)

Gene: RAF1 (Raf-1 proto-oncogene, serine/threonine kinase; minus strand). Cytogenetic location: 3p25.2.
Variant type: single nucleotide variant.
Coding change: c.950A>G on transcript NM_002880.4 (MANE Select); coding-DNA position 950, A replaced by G.
Protein change: p.Glu317Gly; replaces glutamic acid 317 with glycine.
Molecular consequence: missense variant. On other transcripts: non-coding transcript variant (3).
Genome position (GRCh38, 1-based): chr3:12,600,192, T>C on the plus strand (A>G on the coding strand, the complement: RAF1 is on the minus strand). VCF-style: chr3-12600192-T-C. GRCh37 (hg19) VCF-style: chr3-12641691-T-C.
Other names: c.1010A>G, p.Glu337Gly (NM_001354689.3); c.950A>G, p.Glu317Gly (NM_001354690.3); c.707A>G, p.Glu236Gly (NM_001354691.3, NM_001354692.3); c.851A>G, p.Glu284Gly (NM_001354693.3); c.767A>G, p.Glu256Gly (NM_001354694.3); c.608A>G, p.Glu203Gly (NM_001354695.3); short protein forms E203G, E236G, E256G, E284G, E317G, E337G.
Identifiers: ClinVar variation 2435357 (VCV002435357.4), dbSNP rs2470303858, ClinGen allele CA351508550.
Genomic context (GRCh38, chr3:12,600,192, plus strand): 5'-GTACTGTTGTCTATACTCACAATTTTGTTTTTCTCCTGGGTCCCAGATACTGGTGCCCGC[T>C]CTCTTTGTGCTGGCACGGGGGTTTTCGGCTGTGACCAGCCTGTTGGGCTCAGATTGTTGG-3'
Protein context (NP_002871.1, residues 307-327): QPKTPVPAQR[Glu317Gly]RAPVSGTQEK